The following is an entry in ClinVar:

ClinVar aggregate classification (germline): Uncertain significance (1 of 4 stars; one submission).

Conditions:
Atrioventricular septal defect 4 (AVSD4). Identifiers: MedGen C3280781, MONDO:0013747, OMIM 614430.

Allele frequency attached by ClinVar (database versions not stated): gnomAD exomes below 0.00001; TOPMed below 0.00001.
gnomAD v4.1: 2 of 1,614,190 alleles (0.00012%); highest among the groups gnomAD compares: Non-Finnish European, 0.00017%; no homozygotes.

Submission:

Labcorp Genetics (formerly Invitae), Labcorp
Classification: Uncertain significance for Atrioventricular septal defect 4. Last evaluated: 2023-01-13. Review status: criteria provided, single submitter. Criteria: Invitae Variant Classification Sherloc (09022015). Collection method: clinical testing. Allele origin: germline.
Comment: This variant has not been reported in the literature in individuals affected with GATA4-related conditions. This variant is not present in population databases (gnomAD no frequency). This sequence change replaces leucine, which is neutral and non-polar, with valine, which is neutral and non-polar, at codon 400 of the GATA4 protein (p.Leu400Val). Advanced modeling of protein sequence and biophysical properties (such as structural, functional, and spatial information, amino acid conservation, physicochemical variation, residue mobility, and thermodynamic stability) performed at Invitae indicates that this missense variant is not expected to disrupt GATA4 protein function. In summary, the available evidence is currently insufficient to determine the role of this variant in disease. Therefore, it has been classified as a Variant of Uncertain Significance.

NM_001308093.3(GATA4):c.1201C>G (p.Leu401Val)

Gene: GATA4 (GATA binding protein 4). Cytogenetic location: 8p23.1.
Variant type: single nucleotide variant.
Coding change: c.1201C>G on transcript NM_001308093.3 (MANE Select); coding-DNA position 1201, C replaced by G.
Protein change: p.Leu401Val; replaces leucine 401 with valine.
Molecular consequence: missense variant.
Genome position (GRCh38, 1-based): chr8:11,758,344, C>G. VCF-style: chr8-11758344-C-G. GRCh37 (hg19) VCF-style: chr8-11615853-C-G.
Other names: c.580C>G, p.Leu194Val (NM_001308094.2, NM_001374273.1); c.454C>G, p.Leu152Val (NM_001374274.1); c.1198C>G, p.Leu400Val (NM_002052.5); short protein forms L400V, L152V, L194V, L401V.
Identifiers: ClinVar variation 1936203 (VCV001936203.5), dbSNP rs1563234584, ClinGen allele CA370315628.